The following is an entry in ClinVar:

NM_001005242.3(PKP2):c.1330C>T (p.Gln444Ter)

Gene: PKP2 (plakophilin 2; minus strand). Cytogenetic location: 12p11.21.
Variant type: single nucleotide variant.
Coding change: c.1330C>T on transcript NM_001005242.3 (MANE Select); coding-DNA position 1330, C replaced by T.
Protein change: p.Gln444Ter; replaces glutamine 444 with a stop codon.
Molecular consequence: nonsense.
Genome position (GRCh38, 1-based): chr12:32,850,814, G>A on the plus strand (C>T on the coding strand, the complement: PKP2 is on the minus strand). VCF-style: chr12-32850814-G-A. GRCh37 (hg19) VCF-style: chr12-33003748-G-A.
Other names: c.1330C>T, p.Gln444Ter (NM_001407155.1, NM_001407156.1, NM_001407157.1 and 2 more transcripts); c.1003C>T, p.Gln335Ter (NM_001407158.1, NM_001407159.1, NM_001407160.1 and 1 more transcripts); short protein forms Q335*, Q444*.
Identifiers: ClinVar variation 4531400 (VCV004531400.2).

ClinVar aggregate classification (germline): Pathogenic. Review status: criteria provided, multiple submitters, no conflicts (2 of 4 stars). 2 submissions from 2 submitters: Pathogenic (2). Last evaluated 2025-11-14.

Conditions:
Arrhythmogenic right ventricular dysplasia 9 (ARVD9). Also called: Arrhythmogenic Right Ventricular Dysplasia/Cardiomyopathy 9; ARRHYTHMOGENIC RIGHT VENTRICULAR DYSPLASIA, FAMILIAL, 9. Identifiers: MedGen C1836906, MONDO:0012180, OMIM 609040.

Submissions (2):

Victorian Clinical Genetics Services, Murdoch Childrens Research Institute
Classification: Pathogenic for Arrhythmogenic right ventricular dysplasia 9. Last evaluated: 2025-11-14. Review status: criteria provided, single submitter. Criteria: ACMG Guidelines, 2015. Collection method: clinical testing. Allele origin: germline. Affected: yes.
Comment: This variant is classified as Pathogenic. Evidence in support of pathogenic classification: Variant is predicted to cause nonsense-mediated decay (NMD) and loss of protein (premature termination codon is located at least 54 nucleotides upstream of the final exon-exon junction); Variant is absent from gnomAD (v2, v3 and v4); Other NMD-predicted variant(s) comparable to the one identified in this case have very strong previous evidence for pathogenicity (DECIPHER). Additional information: This variant is heterozygous; This gene is associated with both recessive and dominant disease. Arrhythmogenic right ventricular dysplasia 9 (MIM#609040) is inherited in an autosomal dominant manner, while biallelic loss of function variants are associated with severe perinatal and neonatal onset dilated cardiomyopathy (PMIDs: 30562116, 35059364, 38050058); Loss of function is a known mechanism of disease in this gene and is associated with arrhythmogenic right ventricular dysplasia 9 (MIM#609040) and dilated cardiomyopathy (MONDO:0005021), PKP2-related (PanelApp Australia); The autosomal dominant condition associated with this gene has incomplete penetrance (PMIDs: 17010805, 23183494); Variants in this gene that are associated with autosomal dominant arrhythmogenic right ventricular dysplasia 9 (MIM#609040) are known to have variable expressivity (PMIDs: 17010805, 23183494); Inheritance information for this variant is not currently available in this individual.

Labcorp Genetics (formerly Invitae), Labcorp
Classification: Pathogenic for Arrhythmogenic right ventricular dysplasia 9. Last evaluated: 2025-04-27. Review status: criteria provided, single submitter. Criteria: Invitae Variant Classification Sherloc (09022015). Collection method: clinical testing. Allele origin: germline.
Comment: This sequence change creates a premature translational stop signal (p.Gln444*) in the PKP2 gene. It is expected to result in an absent or disrupted protein product. Loss-of-function variants in PKP2 are known to be pathogenic (PMID: 15489853, 17041889, 23911551). This variant is not present in population databases (gnomAD no frequency). This variant has not been reported in the literature in individuals affected with PKP2-related conditions. For these reasons, this variant has been classified as Pathogenic.

Literature cited by the submitters: PubMed 38050058 (cited by Victorian Clinical Genetics Services, Murdoch Childrens Research Institute); PubMed 35059364 (cited by Victorian Clinical Genetics Services, Murdoch Childrens Research Institute); PubMed 30562116 (cited by Victorian Clinical Genetics Services, Murdoch Childrens Research Institute); PubMed 17010805 (cited by Victorian Clinical Genetics Services, Murdoch Childrens Research Institute); PubMed 23183494 (cited by Victorian Clinical Genetics Services, Murdoch Childrens Research Institute); PubMed 15489853 (cited by Labcorp Genetics (formerly Invitae), Labcorp); PubMed 17041889 (cited by Labcorp Genetics (formerly Invitae), Labcorp); PubMed 23911551 (cited by Labcorp Genetics (formerly Invitae), Labcorp).